The following is an entry in ClinVar:

ClinVar aggregate classification (germline): Uncertain significance (1 of 4 stars; one submission).

Submission:

Labcorp Genetics (formerly Invitae), Labcorp
Classification: Uncertain significance. Last evaluated: 2024-06-22. Review status: criteria provided, single submitter. Criteria: Invitae Variant Classification Sherloc (09022015). Collection method: clinical testing. Allele origin: germline.
Comment: This sequence change replaces lysine, which is basic and polar, with asparagine, which is neutral and polar, at codon 194 of the POLE2 protein (p.Lys194Asn). This variant is not present in population databases (gnomAD no frequency). This variant has not been reported in the literature in individuals affected with POLE2-related conditions. An algorithm developed to predict the effect of missense changes on protein structure and function (PolyPhen-2) suggests that this variant is likely to be disruptive. In summary, the available evidence is currently insufficient to determine the role of this variant in disease. Therefore, it has been classified as a Variant of Uncertain Significance.

NM_002692.4(POLE2):c.582A>C (p.Lys194Asn)

Gene: POLE2 (DNA polymerase epsilon 2, accessory subunit; minus strand). Cytogenetic location: 14q21.3.
Variant type: single nucleotide variant.
Coding change: c.582A>C on transcript NM_002692.4 (MANE Select); coding-DNA position 582, A replaced by C.
Protein change: p.Lys194Asn; replaces lysine 194 with asparagine.
Molecular consequence: missense variant.
Genome position (GRCh38, 1-based): chr14:49,665,158, T>G on the plus strand (A>C on the coding strand, the complement: POLE2 is on the minus strand). VCF-style: chr14-49665158-T-G. GRCh37 (hg19) VCF-style: chr14-50131876-T-G.
Other names: c.504A>C, p.Lys168Asn (NM_001197330.2); c.582A>C, p.Lys194Asn (NM_001197331.3, NM_001348384.2); c.351A>C, p.Lys117Asn (NM_001348385.2); short protein forms K117N, K168N, K194N.
Identifiers: ClinVar variation 3657502 (VCV003657502.2).